The following is an entry in ClinVar:

ClinVar aggregate classification (germline): Uncertain significance. Review status: criteria provided, multiple submitters, no conflicts (2 of 4 stars). 2 submissions from 2 submitters: Uncertain significance (2). Last evaluated 2026-09-01.

Conditions:
Hereditary cancer-predisposing syndrome. Also called: Hereditary Cancer Syndrome; Neoplastic Syndromes, Hereditary; Hereditary neoplastic syndrome; Tumor predisposition. Identifiers: Orphanet 140162, MedGen C0027672, MeSH D009386, MONDO:0015356.
EGFR-related lung cancer (EGFR). Identifiers: MedGen CN130014.

Submissions (2):

Ambry Genetics
Classification: Uncertain significance for Hereditary cancer-predisposing syndrome. Last evaluated: 2026-09-01. Review status: criteria provided, single submitter. Criteria: Ambry Variant Classification Scheme 2023. Collection method: clinical testing. Allele origin: germline.
Comment: The p.P265L variant (also known as c.794C>T), located in coding exon 7 of the EGFR gene, results from a C to T substitution at nucleotide position 794. The proline at codon 265 is replaced by leucine, an amino acid with similar properties. This amino acid position is highly conserved in available vertebrate species. In addition, this alteration is predicted to be deleterious by in silico analysis. Based on the available evidence, the clinical significance of this variant remains unclear.

Labcorp Genetics (formerly Invitae), Labcorp
Classification: Uncertain significance for EGFR-related lung cancer. Last evaluated: 2021-12-12. Review status: criteria provided, single submitter. Criteria: Invitae Variant Classification Sherloc (09022015). Collection method: clinical testing. Allele origin: germline.
Comment: Algorithms developed to predict the effect of missense changes on protein structure and function are either unavailable or do not agree on the potential impact of this missense change (SIFT: "Deleterious"; PolyPhen-2: "Probably Damaging"; Align-GVGD: "Class C0"). This variant has not been reported in the literature in individuals affected with EGFR-related conditions. This variant is not present in population databases (gnomAD no frequency). This sequence change replaces proline, which is neutral and non-polar, with leucine, which is neutral and non-polar, at codon 265 of the EGFR protein (p.Pro265Leu). In summary, the available evidence is currently insufficient to determine the role of this variant in disease. Therefore, it has been classified as a Variant of Uncertain Significance.

NM_005228.5(EGFR):c.794C>T (p.Pro265Leu)

Gene: EGFR (epidermal growth factor receptor; plus strand). Cytogenetic location: 7p11.2.
Variant type: single nucleotide variant.
Coding change: c.794C>T on transcript NM_005228.5 (MANE Select); coding-DNA position 794, C replaced by T.
Protein change: p.Pro265Leu; replaces proline 265 with leucine.
Molecular consequence: missense variant. On other transcripts: intron variant (1).
Genome position (GRCh38, 1-based): chr7:55,154,057, C>T. VCF-style: chr7-55154057-C-T. GRCh37 (hg19) VCF-style: chr7-55221750-C-T.
Other names: c.794C>T (NM_005228.3); c.659C>T, p.Pro220Leu (NM_001346897.2, NM_001346899.2); c.794C>T, p.Pro265Leu (NM_001346898.2, NM_201282.2, NM_201283.2 and 1 more transcripts); c.635C>T, p.Pro212Leu (NM_001346900.2); c.89-1773C>T (NM_001346941.2); short protein forms P212L, P220L, P265L.
Identifiers: ClinVar variation 1378715 (VCV001378715.7), dbSNP rs748627278, ClinGen allele CA367577686.